The following is an entry in ClinVar:

ClinVar aggregate classification (germline): Pathogenic/Likely pathogenic. Review status: criteria provided, multiple submitters, no conflicts (2 of 4 stars). 3 submissions from 3 submitters: Pathogenic (1); Likely pathogenic (1). 1 of the submissions does not count toward it. Last evaluated 2024-09-09.

Conditions:
Leber congenital amaurosis (LCA). Also called: Leber's amaurosis. Identifiers: Orphanet 65, MedGen C0339527, MeSH D057130, MONDO:0018998.
Leber congenital amaurosis 16 (LCA16). Identifiers: Orphanet 65, MedGen C3280062, MONDO:0013613, OMIM 614186.

Submissions (3):

Labcorp Genetics (formerly Invitae), Labcorp
Classification: Pathogenic. Last evaluated: 2024-09-09. Review status: criteria provided, single submitter. Criteria: Invitae Variant Classification Sherloc (09022015). Collection method: clinical testing. Allele origin: germline.
Comment: This sequence change replaces threonine, which is neutral and polar, with isoleucine, which is neutral and non-polar, at codon 153 of the KCNJ13 protein (p.Thr153Ile). This variant is not present in population databases (gnomAD no frequency). This missense change has been observed in individuals with clinical features of Leber congenital amaurosis (PMID: 25326637, 31647904, 32037395; internal data). ClinVar contains an entry for this variant (Variation ID: 216947). An algorithm developed to predict the effect of missense changes on protein structure and function (PolyPhen-2) suggests that this variant is likely to be disruptive. Algorithms developed to predict the effect of sequence changes on RNA splicing suggest that this variant may disrupt the consensus splice site. For these reasons, this variant has been classified as Pathogenic.

UCLA Clinical Genomics Center, UCLA
Classification: Likely pathogenic for Leber congenital amaurosis 16. Last evaluated: 2012-11-20. Review status: criteria provided, single submitter. Criteria: Lee et al. (JAMA. 2014). Collection method: clinical testing. Allele origin: germline. Inheritance: Autosomal recessive inheritance. Affected: yes. Study: CES.

Rui Chen Lab, Baylor College of Medicine
Classification: Pathogenic for Leber congenital amaurosis. Last evaluated: 2017-05-09. Review status: no assertion criteria provided. Collection method: research. Allele origin: germline. Affected: yes. Not counted in ClinVar's aggregate classification.
Comment: An in vitrominigene system was used to confirm that the variant disrupts splicing

Literature cited by the submitters: PubMed 25326637 (cited by Labcorp Genetics (formerly Invitae), Labcorp); PubMed 31647904 (cited by Labcorp Genetics (formerly Invitae), Labcorp); PubMed 32037395 (cited by Labcorp Genetics (formerly Invitae), Labcorp).

NM_002242.4(KCNJ13):c.458C>T (p.Thr153Ile)

Genes: GIGYF2 (GRB10 interacting GYF protein 2; plus strand), KCNJ13 (potassium inwardly rectifying channel subfamily J member 13; minus strand). Cytogenetic location: 2q37.1.
Variant type: single nucleotide variant.
Coding change: c.458C>T on transcript NM_002242.4 (MANE Select); coding-DNA position 458, C replaced by T.
Protein change: p.Thr153Ile; replaces threonine 153 with isoleucine.
Molecular consequence: missense variant. On other transcripts: intron variant (5).
Genome position (GRCh38, 1-based): chr2:232,770,905, G>A on the plus strand (C>T on the coding strand, the complement: KCNJ13 is on the minus strand). VCF-style: chr2-232770905-G-A. GRCh37 (hg19) VCF-style: chr2-233635615-G-A.
Other names: c.218C>T, p.Thr73Ile (NM_001172417.1); c.532+9469G>A (NM_001103146.3, NM_015575.4, NM_001103148.2); c.533-5507G>A (NM_001103147.2); c.224+234C>T (NM_001172416.1); short protein forms T153I, T73I.
Identifiers: ClinVar variation 216947 (VCV000216947.5), dbSNP rs863224884, ClinGen allele CA278972.